The following is an entry in ClinVar:

ClinVar aggregate classification (germline): Uncertain significance (1 of 4 stars; one submission).

Conditions:
MHC class I deficiency. Identifiers: Orphanet 34592, MedGen C6024714, MONDO:0011476.

Allele frequency attached by ClinVar (database versions not stated): TOPMed below 0.00001; gnomAD 0.00001; gnomAD exomes 0.00001.
gnomAD v4.1: 11 of 1,612,822 alleles (0.00068%); highest among the groups gnomAD compares: Non-Finnish European, 0.00093%; no homozygotes.

Submission:

Labcorp Genetics (formerly Invitae), Labcorp
Classification: Uncertain significance for MHC class I deficiency 1. Last evaluated: 2022-03-27. Review status: criteria provided, single submitter. Criteria: Invitae Variant Classification Sherloc (09022015). Collection method: clinical testing. Allele origin: germline.
Comment: In summary, the available evidence is currently insufficient to determine the role of this variant in disease. Therefore, it has been classified as a Variant of Uncertain Significance. Algorithms developed to predict the effect of missense changes on protein structure and function are either unavailable or do not agree on the potential impact of this missense change (SIFT: "Deleterious"; PolyPhen-2: "Benign"; Align-GVGD: "Class C0"). This variant has not been reported in the literature in individuals affected with TAP1-related conditions. This variant is not present in population databases (gnomAD no frequency). This sequence change replaces serine, which is neutral and polar, with arginine, which is basic and polar, at codon 356 of the TAP1 protein (p.Ser356Arg).

NM_000593.6(TAP1):c.886A>C (p.Ser296Arg)

Gene: TAP1 (transporter 1, ATP binding cassette subfamily B member; minus strand). Cytogenetic location: 6p21.32.
Variant type: single nucleotide variant.
Coding change: c.886A>C on transcript NM_000593.6 (MANE Select); coding-DNA position 886, A replaced by C.
Protein change: p.Ser296Arg; replaces serine 296 with arginine.
Molecular consequence: missense variant.
Genome position (GRCh38, 1-based): chr6:32,851,108, T>G on the plus strand (A>C on the coding strand, the complement: TAP1 is on the minus strand). VCF-style: chr6-32851108-T-G. GRCh37 (hg19) VCF-style: chr6-32818885-T-G.
Other names: c.283A>C, p.Ser95Arg (NM_001292022.2); short protein forms S296R, S95R.
Identifiers: ClinVar variation 1900898 (VCV001900898.5), dbSNP rs1011539969, ClinGen allele CA137016726.